The following is an entry in ClinVar:

NM_015346.4(ZFYVE26):c.5917G>A (p.Gly1973Arg)

Gene: ZFYVE26 (zinc finger FYVE-type containing 26; minus strand). Cytogenetic location: 14q24.1.
Variant type: single nucleotide variant.
Coding change: c.5917G>A on transcript NM_015346.4 (MANE Select); coding-DNA position 5917, G replaced by A.
Protein change: p.Gly1973Arg; replaces glycine 1973 with arginine.
Molecular consequence: missense variant.
Genome position (GRCh38, 1-based): chr14:67,766,321, C>T on the plus strand (G>A on the coding strand, the complement: ZFYVE26 is on the minus strand). VCF-style: chr14-67766321-C-T. GRCh37 (hg19) VCF-style: chr14-68233038-C-T.
Other names: p.Gly1973Arg; short protein forms G1973R.
Identifiers: ClinVar variation 2475655 (VCV002475655.4), dbSNP rs557188133, ClinGen allele CA7239360.

ClinVar aggregate classification (germline): Uncertain significance. Review status: criteria provided, multiple submitters, no conflicts (2 of 4 stars). 2 submissions from 2 submitters: Uncertain significance (2). Last evaluated 2025-08-14.

Conditions:
Inborn genetic diseases. Identifiers: MedGen C0950123, MeSH D030342.

Allele frequency attached by ClinVar (database versions not stated): TOPMed below 0.00001; gnomAD 0.00001; ExAC 0.00002; 1000 Genomes Project 30x 0.00031; 1000 Genomes Project 0.00040; gnomAD exomes below 0.00001.
gnomAD v4.1: 8 of 1,613,540 alleles (0.0005%); highest among the groups gnomAD compares: South Asian, 0.0044%; no homozygotes.

Submissions (2):

Ambry Genetics
Classification: Uncertain significance for Inborn genetic diseases. Last evaluated: 2025-08-14. Review status: criteria provided, single submitter. Criteria: Ambry Variant Classification Scheme 2023. Collection method: clinical testing. Allele origin: germline.

Mayo Clinic Laboratories, Mayo Clinic
Classification: Uncertain significance. Last evaluated: 2023-02-03. Review status: criteria provided, single submitter. Criteria: ACMG Guidelines, 2015. Collection method: clinical testing. Allele origin: germline. Observed: 1 variant allele.
Comment: BP4, PM2